The following is an entry in ClinVar:

ClinVar aggregate classification (germline): Uncertain significance (1 of 4 stars; one submission).

Submission:

CeGaT Center for Human Genetics Tuebingen
Classification: Uncertain significance. Last evaluated: 2022-07-01. Review status: criteria provided, single submitter. Criteria: CeGaT Center For Human Genetics Tuebingen Variant Classification Criteria Version 2. Collection method: clinical testing. Allele origin: germline. Affected: yes. Observed: 1 variant allele.
Comment: ATP7B: PM2

NM_000053.4(ATP7B):c.1289G>T (p.Ser430Ile)

Gene: ATP7B (ATPase copper transporting beta; minus strand). Cytogenetic location: 13q14.3.
Variant type: single nucleotide variant.
Coding change: c.1289G>T on transcript NM_000053.4 (MANE Select); coding-DNA position 1289, G replaced by T.
Protein change: p.Ser430Ile; replaces serine 430 with isoleucine.
Molecular consequence: missense variant. On other transcripts: intron variant (1).
Genome position (GRCh38, 1-based): chr13:51,970,746, C>A on the plus strand (G>T on the coding strand, the complement: ATP7B is on the minus strand). VCF-style: chr13-51970746-C-A. GRCh37 (hg19) VCF-style: chr13-52544882-C-A.
Other names: c.1289G>T, p.Ser430Ile (NM_001406534.1, NM_001406535.1, NM_001406537.1 and 28 more transcripts); c.1193G>T, p.Ser398Ile (NM_001406536.1, NM_001406543.1, NM_001406530.1 and 3 more transcripts); c.860G>T, p.Ser287Ile (NM_001406539.1); c.956G>T, p.Ser319Ile (NM_001243182.2); c.1285+3189G>T (NM_001406548.1); short protein forms S287I, S319I, S398I, S430I.
Identifiers: ClinVar variation 2643821 (VCV002643821.24), dbSNP rs2547795527, ClinGen allele CA388036184.